The following is an entry in ClinVar:

ClinVar aggregate classification (germline): Benign. Review status: criteria provided, multiple submitters, no conflicts (2 of 4 stars). 3 submissions from 3 submitters: Benign (3). Last evaluated 2018-11-12.

Allele frequency attached by ClinVar (database versions not stated): 1000 Genomes Project 0.28894; gnomAD 0.31764; 1000 Genomes Project 30x 0.39913.
gnomAD v4.1: 323,642 of 1,315,020 alleles (25%); highest among the groups gnomAD compares: East Asian, 56%; 96,956 homozygotes.

Submissions (3):

GeneDx
Classification: Benign. Last evaluated: 2018-11-12. Review status: criteria provided, single submitter. Criteria: GeneDx Variant Classification Process June 2021. Collection method: clinical testing. Allele origin: germline. Affected: yes.

Laboratory for Molecular Medicine, Mass General Brigham Personalized Medicine
Classification: Benign. Last evaluated: 2016-03-28. Review status: criteria provided, single submitter. Criteria: LMM Criteria. Collection method: clinical testing. Allele origin: germline.
Comment: Variant identified in a genome or exome case(s) and assessed due to predicted null impact of the variant or pathogenic assertions in the literature or databases. Disclaimer: This variant has not undergone full assessment. The following are preliminary notes: Frequency

Breakthrough Genomics
Classification: Benign. Review status: criteria provided, single submitter. Criteria: ACMG Guidelines, 2015. Collection method: not provided. Allele origin: germline. Inheritance: Autosomal dominant inheritance. Affected: yes.

NM_002458.3(MUC5B):c.10821A>C (p.Ala3607=)

Genes: MUC5B (mucin 5B, oligomeric mucus/gel-forming; plus strand), MUC5B-AS1 (MUC5B antisense RNA 1; minus strand). Cytogenetic location: 11p15.5.
Variant type: single nucleotide variant.
Coding change: c.10821A>C on transcript NM_002458.3 (MANE Select); coding-DNA position 10821, A replaced by C.
Protein change: p.Ala3607=; no amino-acid change (alanine 3607 retained).
Molecular consequence: synonymous variant.
Genome position (GRCh38, 1-based): chr11:1,247,701, A>C. VCF-style: chr11-1247701-A-C. GRCh37 (hg19) VCF-style: chr11-1268931-A-C.
Identifiers: ClinVar variation 403165 (VCV000403165.8), dbSNP rs2334757, ClinGen allele CA5807464.